The following is an entry in ClinVar:

ClinVar aggregate classification (germline): Likely pathogenic (1 of 4 stars; one submission).
ClinVar aggregate classification (somatic clinical impact): Tier I - Strong (1 of 4 stars; one submission).
ClinVar aggregate classification (oncogenicity): Likely oncogenic (1 of 4 stars; one submission).

Conditions:
Desmoid disease, hereditary (DESMD). Also called: FIBROMATOSIS, FAMILIAL INFILTRATIVE. Identifiers: Orphanet 873, MedGen C1851124, OMIM 135290. Disease mechanism: loss of function.
Embryonal rhabdomyosarcoma (ERMS). Also called: Botryoid rhabdomyosarcoma (type of ERMS); Spindle cell rhabdomyosarcomas (type of ERMS). Identifiers: Orphanet 99757, MedGen C0206656, MONDO:0009993, HP:0006743.
Neoplasm. Also called: Neoplasms; Neoplasm (disease); tumor. Identifiers: MedGen C0027651, MeSH D009369, MONDO:0005070, HP:0002664.

Submissions (3):

Center for Genomic Medicine, Rigshospitalet, Copenhagen University Hospital
Classification: Likely oncogenic for Neoplasm. Last evaluated: 2026-10-16. Review status: criteria provided, single submitter. Criteria: ClinGen/CGC/VICC Guidelines for Oncogenicity, 2022. Collection method: clinical testing. Allele origin: somatic. Affected: yes.

University of Washington Department of Laboratory Medicine, University of Washington
Classification: Likely pathogenic for Desmoid disease, hereditary. Last evaluated: 2025-11-20. Review status: criteria provided, single submitter. Criteria: Shirts BH et al. (Am J Hum Genet 2018). Collection method: clinical testing. Allele origin: de novo. Affected: yes.
Comment: We classify the CTNNB1 c.107A>C (p.His36Pro) variant as likely pathogenic based on internal and published evidence. Tumor immunohistochemistry demonstrated positive β-catenin staining, consistent with aberrant β-catenin activation. The use of tumor molecular features to inform variant classification has been described in the literature (Shirts et al., 2018. Genet Med. PMID: 29887214). As this variant arose as a de novo event in the tumor, this observation also supports application of PS2. The p.His36Pro substitution occurs within exon 3 of CTNNB1, a well-established mutational hotspot critical for β-catenin regulation. Variants in this region disrupt phosphorylation sites that normally target β-catenin for proteasomal degradation, leading to protein stabilization and constitutive Wnt pathway activation. Functional in vitro studies demonstrated that the p.His36Pro mutant protein is resistant to degradation and promotes cell proliferation (PMID: 26850916), supporting a direct oncogenic effect and fulfilling PS3_supporting. This variant is absent from large population databases, including gnomAD v4.0.0, meeting PM2_supporting. The location in a mutational hotspot and known functional consequences of exon 3 substitutions are consistent with PM1 (PMID: 29435196). CTNNB1 is a gene with a low rate of benign missense variation, and pathogenic missense variants in exon 3 represent a well-established mechanism of disease, supporting PP2_supporting. Furthermore, other missense substitutions at nearby residues in exon 3 have been reported as pathogenic in multiple tumor types, consistent with PM5. Taken together, the functional evidence, hotspot location, absence from population databases, and observation in a desmoid tumor with β-catenin activation justify a classification of likely pathogenic for the CTNNB1 c.107A>C (p.His36Pro) variant.

Institute for Genomic Medicine (IGM) Clinical Laboratory, Nationwide Children's Hospital
Classification: Tier I - Strong for Embryonal rhabdomyosarcoma. Assertion type: diagnostic. Clinical significance: supports diagnosis. Last evaluated: 2024-09-08. Review status: criteria provided, single submitter. Criteria: AMP/ASCO/CAP Guidelines, 2017. Collection method: clinical testing. Allele origin: somatic. Affected: yes.
Comment: Variant has Tier I (strong) clinical significance as a diagnostic inclusion criterion in embryonal rhabdomyosarcoma, based on the following evidence: 1) Documented in one or more cancer databases (e.g., St. Jude Pecan, COSMIC, CIViC, OncoKB). 2) Appears in one or more well-established professional guidelines (e.g., World Health Organization [WHO]; National Comprehensive Cancer Network [NCCN]) as providing diagnostic, prognostic, or therapeutic information. 3) Information in the literature supports potential biologic effect of variant (PMID: 18282277). 4) Diagnostic for a specific tumor type/classification based on well-powered studies with expert-level consensus (Evidence Level B; PMIDs: 30617281, 34166060, 24436047, 24332040, 22142829).

Literature cited by the submitters: PubMed 26850916 (cited by University of Washington Department of Laboratory Medicine, University of Washington); PubMed 29435196 (cited by University of Washington Department of Laboratory Medicine, University of Washington); PubMed 18282277 (cited by Institute for Genomic Medicine (IGM) Clinical Laboratory, Nationwide Children's Hospital); PubMed 30617281 (cited by Institute for Genomic Medicine (IGM) Clinical Laboratory, Nationwide Children's Hospital); PubMed 34166060 (cited by Institute for Genomic Medicine (IGM) Clinical Laboratory, Nationwide Children's Hospital); PubMed 24436047 (cited by Institute for Genomic Medicine (IGM) Clinical Laboratory, Nationwide Children's Hospital); PubMed 24332040 (cited by Institute for Genomic Medicine (IGM) Clinical Laboratory, Nationwide Children's Hospital); PubMed 22142829 (cited by Institute for Genomic Medicine (IGM) Clinical Laboratory, Nationwide Children's Hospital).

NM_001904.4(CTNNB1):c.107A>C (p.His36Pro)

Genes: CTNNB1 (catenin beta 1; plus strand), LOC126806658 (BRD4-independent group 4 enhancer GRCh37_chr3:41265899-41267098; plus strand). Cytogenetic location: 3p22.1.
Variant type: single nucleotide variant.
Coding change: c.107A>C on transcript NM_001904.4 (MANE Select); coding-DNA position 107, A replaced by C.
Protein change: p.His36Pro; replaces histidine 36 with proline.
Molecular consequence: missense variant.
Genome position (GRCh38, 1-based): chr3:41,224,619, A>C. VCF-style: chr3-41224619-A-C. GRCh37 (hg19) VCF-style: chr3-41266110-A-C.
Other names: c.107A>C, p.His36Pro (NM_001098209.2, NM_001098210.2, NM_001438871.1 and 4 more transcripts); c.86A>C, p.His29Pro (NM_001330729.2); short protein forms H29P, H36P.
Identifiers: ClinVar variation 4530141 (VCV004530141.3).